The following is an entry in ClinVar:

NM_018646.6(TRPV6):c.*5G>A

Gene: TRPV6 (transient receptor potential cation channel subfamily V member 6; minus strand). Cytogenetic location: 7q34.
Variant type: single nucleotide variant.
Coding change: c.*5G>A on transcript NM_018646.6 (MANE Select); 5 bases downstream of the stop codon, G replaced by A.
Molecular consequence: 3 prime UTR variant.
Genome position (GRCh38, 1-based): chr7:142,871,702, C>T on the plus strand (G>A on the coding strand, the complement: TRPV6 is on the minus strand). VCF-style: chr7-142871702-C-T. GRCh37 (hg19) VCF-style: chr7-142569455-C-T.
Identifiers: ClinVar variation 3052361 (VCV003052361.2), dbSNP rs111489157, ClinGen allele CA4532264.

ClinVar aggregate classification (germline): Benign (0 of 4 stars; one submission).

Conditions:
TRPV6-related disorder. Also called: TRPV6-related condition.

Allele frequency attached by ClinVar (database versions not stated): ExAC 0.00137; 1000 Genomes Project 0.00339; 1000 Genomes Project 30x 0.00344; gnomAD 0.00421; TOPMed 0.00501; ESP Exome Variant Server 0.00538.
gnomAD v4.1: 1,224 of 1,576,256 alleles (0.078%); highest among the groups gnomAD compares: African/African-American, 1.5%; 17 homozygotes.

Submission:

PreventionGenetics, part of Exact Sciences
Classification: Benign for TRPV6-related condition. Last evaluated: 2019-10-04. Review status: no assertion criteria provided. Collection method: clinical testing. Allele origin: germline.
Comment: This variant is classified as benign based on ACMG/AMP sequence variant interpretation guidelines (Richards et al. 2015 PMID: 25741868, with internal and published modifications).